The following is an entry in ClinVar:

NM_001845.6(COL4A1):c.864A>T (p.Lys288Asn)

Gene: COL4A1 (collagen type IV alpha 1 chain; minus strand). Cytogenetic location: 13q34.
Variant type: single nucleotide variant.
Coding change: c.864A>T on transcript NM_001845.6 (MANE Select); coding-DNA position 864, A replaced by T.
Protein change: p.Lys288Asn; replaces lysine 288 with asparagine.
Molecular consequence: missense variant.
Genome position (GRCh38, 1-based): chr13:110,205,533, T>A on the plus strand (A>T on the coding strand, the complement: COL4A1 is on the minus strand). VCF-style: chr13-110205533-T-A. GRCh37 (hg19) VCF-style: chr13-110857880-T-A.
Other names: c.864A>T, p.Lys288Asn (NM_001303110.2); short protein forms K288N.
Identifiers: ClinVar variation 4805063 (VCV004805063.1).

ClinVar aggregate classification (germline): Uncertain significance (1 of 4 stars; one submission).

Submission:

Labcorp Genetics (formerly Invitae), Labcorp
Classification: Uncertain significance. Last evaluated: 2025-04-17. Review status: criteria provided, single submitter. Criteria: Invitae Variant Classification Sherloc (09022015). Collection method: clinical testing. Allele origin: germline.
Comment: This sequence change replaces lysine, which is basic and polar, with asparagine, which is neutral and polar, at codon 288 of the COL4A1 protein (p.Lys288Asn). This variant is not present in population databases (gnomAD no frequency). This variant has not been reported in the literature in individuals affected with COL4A1-related conditions. Invitae Evidence Modeling of protein sequence and biophysical properties (such as structural, functional, and spatial information, amino acid conservation, physicochemical variation, residue mobility, and thermodynamic stability) indicates that this missense variant is not expected to disrupt COL4A1 protein function with a negative predictive value of 95%. In summary, the available evidence is currently insufficient to determine the role of this variant in disease. Therefore, it has been classified as a Variant of Uncertain Significance.